The following is an entry in ClinVar:

ClinVar aggregate classification (germline): Uncertain significance. Review status: criteria provided, multiple submitters, no conflicts (2 of 4 stars). 2 submissions from 2 submitters: Uncertain significance (2). Last evaluated 2025-01-30.

Conditions:
Hereditary breast ovarian cancer syndrome. Also called: Hereditary breast and/or ovarian cancer syndrome; BRCA1- and BRCA2-Associated Hereditary Breast and Ovarian Cancer; Hereditary breast and ovarian cancer syndrome; Hereditary breast and ovarian cancer; Hereditary breast and ovarian cancer syndrome (HBOC); Breast and ovarian cancer. Identifiers: Orphanet 145, MedGen C0677776, MeSH D061325, MONDO:0003582. Disease mechanism: loss of function.
Hereditary cancer-predisposing syndrome. Also called: Neoplastic Syndromes, Hereditary; Tumor predisposition; Hereditary neoplastic syndrome; Hereditary Cancer Syndrome. Identifiers: Orphanet 140162, MedGen C0027672, MeSH D009386, MONDO:0015356.

Submissions (2):

Ambry Genetics
Classification: Uncertain significance for Hereditary cancer-predisposing syndrome. Last evaluated: 2025-01-30. Review status: criteria provided, single submitter. Criteria: Ambry Variant Classification Scheme 2023. Collection method: clinical testing. Allele origin: germline.
Comment: The p.A1248G variant (also known as c.3743C>G), located in coding exon 9 of the BRCA1 gene, results from a C to G substitution at nucleotide position 3743. The alanine at codon 1248 is replaced by glycine, an amino acid with similar properties. This amino acid position is conserved. In addition, the in silico prediction for this alteration is inconclusive. Since supporting evidence is limited at this time, the clinical significance of this alteration remains unclear.

Labcorp Genetics (formerly Invitae), Labcorp
Classification: Uncertain significance for Hereditary breast ovarian cancer syndrome. Last evaluated: 2023-10-04. Review status: criteria provided, single submitter. Criteria: Invitae Variant Classification Sherloc (09022015). Collection method: clinical testing. Allele origin: germline.
Comment: This sequence change replaces alanine, which is neutral and non-polar, with glycine, which is neutral and non-polar, at codon 1248 of the BRCA1 protein (p.Ala1248Gly). This variant is not present in population databases (gnomAD no frequency). This variant has not been reported in the literature in individuals affected with BRCA1-related conditions. ClinVar contains an entry for this variant (Variation ID: 2450668). Advanced modeling of protein sequence and biophysical properties (such as structural, functional, and spatial information, amino acid conservation, physicochemical variation, residue mobility, and thermodynamic stability) performed at Invitae indicates that this missense variant is not expected to disrupt BRCA1 protein function. In summary, the available evidence is currently insufficient to determine the role of this variant in disease. Therefore, it has been classified as a Variant of Uncertain Significance.

NM_007294.4(BRCA1):c.3743C>G (p.Ala1248Gly)

Genes: BRCA1 (BRCA1 DNA repair associated; minus strand), LOC126862571 (BRD4-independent group 4 enhancer GRCh37_chr17:41243136-41244335; plus strand). Cytogenetic location: 17q21.31.
Variant type: single nucleotide variant.
Coding change: c.3743C>G on transcript NM_007294.4 (MANE Select); coding-DNA position 3743, C replaced by G.
Protein change: p.Ala1248Gly; replaces alanine 1248 with glycine.
Molecular consequence: missense variant. On other transcripts: intron variant (135).
Genome position (GRCh38, 1-based): chr17:43,091,788, G>C on the plus strand (C>G on the coding strand, the complement: BRCA1 is on the minus strand). VCF-style: chr17-43091788-G-C. GRCh37 (hg19) VCF-style: chr17-41243805-G-C.
Other names: c.3599C>G, p.Ala1200Gly (NM_001407741.1, NM_001407742.1, NM_001407743.1 and 20 more transcripts); c.3530C>G, p.Ala1177Gly (NM_001407571.1, NM_001407853.1, NM_001407894.1 and 9 more transcripts); c.3743C>G, p.Ala1248Gly (NM_001407581.1, NM_001407582.1, NM_001407583.1 and 30 more transcripts); c.3740C>G, p.Ala1247Gly (NM_001407587.1, NM_001407590.1, NM_001407591.1 and 22 more transcripts); c.3734C>G, p.Ala1245Gly (NM_001407646.1, NM_001407647.1); c.3620C>G, p.Ala1207Gly (NM_001407648.1, NM_001407664.1, NM_001407665.1 and 19 more transcripts); c.3617C>G, p.Ala1206Gly (NM_001407649.1, NM_001407670.1, NM_001407671.1 and 11 more transcripts); c.3665C>G, p.Ala1222Gly (NM_001407653.1, NM_001407654.1, NM_001407655.1 and 4 more transcripts); and 41 more; short protein forms A1080G, A1121G, A1136G, A1181G, A1248G, A1120G, A1200G, A1201G.
Identifiers: ClinVar variation 2450668 (VCV002450668.6), dbSNP rs1339736533, ClinGen allele CA10594481.